The following is an entry in ClinVar:

ClinVar aggregate classification (germline): Uncertain significance (1 of 4 stars; one submission).

Conditions:
Distal hereditary motor neuropathy type 2. Identifiers: Orphanet 139525, MedGen C3711384, MeSH C580044, MONDO:0015352.

Allele frequency attached by ClinVar (database versions not stated): gnomAD 0.00001; TOPMed 0.00002.
gnomAD v4.1: 39 of 1,603,794 alleles (0.0024%); highest among the groups gnomAD compares: South Asian, 0.012%; 1 homozygote.

Submission:

Labcorp Genetics (formerly Invitae), Labcorp
Classification: Uncertain significance for Distal hereditary motor neuropathy type 2. Last evaluated: 2025-04-07. Review status: criteria provided, single submitter. Criteria: Invitae Variant Classification Sherloc (09022015). Collection method: clinical testing. Allele origin: germline.
Comment: This sequence change replaces alanine, which is neutral and non-polar, with valine, which is neutral and non-polar, at codon 370 of the FBXO38 protein (p.Ala370Val). This variant is present in population databases (rs779899138, gnomAD 0.02%). This variant has not been reported in the literature in individuals affected with FBXO38-related conditions. ClinVar contains an entry for this variant (Variation ID: 2046551). Invitae Evidence Modeling of protein sequence and biophysical properties (such as structural, functional, and spatial information, amino acid conservation, physicochemical variation, residue mobility, and thermodynamic stability) indicates that this missense variant is not expected to disrupt FBXO38 protein function with a negative predictive value of 80%. In summary, the available evidence is currently insufficient to determine the role of this variant in disease. Therefore, it has been classified as a Variant of Uncertain Significance.

NM_205836.3(FBXO38):c.1109C>T (p.Ala370Val)

Gene: FBXO38 (F-box protein 38; plus strand). Cytogenetic location: 5q32.
Variant type: single nucleotide variant.
Coding change: c.1109C>T on transcript NM_205836.3 (MANE Select); coding-DNA position 1109, C replaced by T.
Protein change: p.Ala370Val; replaces alanine 370 with valine.
Molecular consequence: missense variant.
Genome position (GRCh38, 1-based): chr5:148,414,151, C>T. VCF-style: chr5-148414151-C-T. GRCh37 (hg19) VCF-style: chr5-147793714-C-T.
Other names: c.1109C>T, p.Ala370Val (NM_001271723.2, NM_030793.5); short protein forms A370V.
Identifiers: ClinVar variation 2046551 (VCV002046551.4), dbSNP rs779899138, ClinGen allele CA3497211.